The following is an entry in ClinVar:

NM_005245.4(FAT1):c.2671C>G (p.His891Asp)

Gene: FAT1 (FAT atypical cadherin 1; minus strand). Cytogenetic location: 4q35.2.
Variant type: single nucleotide variant.
Coding change: c.2671C>G on transcript NM_005245.4 (MANE Select); coding-DNA position 2671, C replaced by G.
Protein change: p.His891Asp; replaces histidine 891 with aspartic acid.
Molecular consequence: missense variant.
Genome position (GRCh38, 1-based): chr4:186,707,157, G>C on the plus strand (C>G on the coding strand, the complement: FAT1 is on the minus strand). VCF-style: chr4-186707157-G-C. GRCh37 (hg19) VCF-style: chr4-187628311-G-C.
Other names: short protein forms H891D.
Identifiers: ClinVar variation 2049931 (VCV002049931.8), dbSNP rs192438901, ClinGen allele CA3167207.
Genomic context (GRCh38, chr4:186,707,157, plus strand): 5'-CAGTGGAGAACAGCTGAGGCTCTTCTCTGGCTTGGTCCCTGGCCTCAATCTTTAAGGAGT[G>C]CTCATGCTGCAGCTCTCGATCCAGAGGGCGTGCGATGTTAACAACACCCGTCACGCTGTC-3'
Protein context (NP_005236.2, residues 881-901): RPLDRELQHE[His891Asp]SLKIEARDQA

ClinVar aggregate classification (germline): Uncertain significance. Review status: criteria provided, multiple submitters, no conflicts (2 of 4 stars). 5 submissions from 5 submitters: Uncertain significance (5). Last evaluated 2026-04-16.

Conditions:
Inborn genetic diseases. Identifiers: MedGen C0950123, MeSH D030342.
FAT1-related disorder. Also called: FAT1-related condition.

Allele frequency attached by ClinVar (database versions not stated): gnomAD 0.00001; TOPMed 0.00003; ExAC 0.00007; 1000 Genomes Project 0.00020; 1000 Genomes Project 30x 0.00031.

Submissions (5):

PreventionGenetics, part of Exact Sciences
Classification: Uncertain significance for FAT1-related condition. Last evaluated: 2026-04-16. Review status: criteria provided, single submitter. Criteria: ACMG Guidelines, 2015. Collection method: clinical testing. Allele origin: germline.
Comment: The FAT1 c.2671C>G variant is predicted to result in the amino acid substitution p.His891Asp. To our knowledge, this variant has not been reported in the literature. This variant is reported in 0.046% of alleles in individuals of East Asian descent in gnomAD. At this time, the clinical significance of this variant is uncertain due to the absence of conclusive functional and genetic evidence.

Ambry Genetics
Classification: Uncertain significance for Inborn genetic diseases. Last evaluated: 2025-06-18. Review status: criteria provided, single submitter. Criteria: Ambry Variant Classification Scheme 2023. Collection method: clinical testing. Allele origin: germline.

Labcorp Genetics (formerly Invitae), Labcorp
Classification: Uncertain significance. Last evaluated: 2024-10-22. Review status: criteria provided, single submitter. Criteria: Invitae Variant Classification Sherloc (09022015). Collection method: clinical testing. Allele origin: germline.
Comment: This sequence change replaces histidine, which is basic and polar, with aspartic acid, which is acidic and polar, at codon 891 of the FAT1 protein (p.His891Asp). This variant is present in population databases (rs192438901, gnomAD 0.04%). This variant has not been reported in the literature in individuals affected with FAT1-related conditions. ClinVar contains an entry for this variant (Variation ID: 2049931). Invitae Evidence Modeling of protein sequence and biophysical properties (such as structural, functional, and spatial information, amino acid conservation, physicochemical variation, residue mobility, and thermodynamic stability) indicates that this missense variant is not expected to disrupt FAT1 protein function with a negative predictive value of 80%. In summary, the available evidence is currently insufficient to determine the role of this variant in disease. Therefore, it has been classified as a Variant of Uncertain Significance.

Blueprint Genetics
Classification: Uncertain significance. Last evaluated: 2024-09-09. Review status: criteria provided, single submitter. Criteria: ACMG Guidelines, 2015. Collection method: clinical testing. Allele origin: germline.

Department of Pathology and Laboratory Medicine, Sinai Health System
Classification: Uncertain significance for FAT1-related disorder. Last evaluated: 2021-07-30. Review status: criteria provided, single submitter. Criteria: ACMG Guidelines, 2015. Collection method: research. Allele origin: germline.